The following is an entry in ClinVar:

NM_138459.5(NUS1):c.380dup (p.Ile129fs)

Gene: NUS1 (NUS1 dehydrodolichyl diphosphate synthase subunit; plus strand). Cytogenetic location: 6q22.1.
Variant type: Duplication.
Coding change: c.380dup on transcript NM_138459.5 (MANE Select); coding-DNA position 380, one base duplicated (T; older notation c.380dupT).
Protein change: p.Ile129fs; shifts the reading frame from isoleucine 129.
Molecular consequence: frameshift variant.
Genome position (GRCh38, 1-based): chr6:117,676,050, T duplicated. VCF-style (leftmost placement, unchanged base first): chr6-117676049-G-GT. GRCh37 (hg19) VCF-style: chr6-117997212-G-GT.
Other names: short protein forms I129fs.
Identifiers: ClinVar variation 3053316 (VCV003053316.2), dbSNP rs2481983903, ClinGen allele CA2740091472.

ClinVar aggregate classification (germline): Likely pathogenic (0 of 4 stars; one submission).

Conditions:
NUS1-related disorder. Also called: NUS1-related condition; NUS1-Related Disorders. Identifiers: MedGen CN382504, MONDO:1060287.

Submission:

PreventionGenetics, part of Exact Sciences
Classification: Likely pathogenic for NUS1-related condition. Last evaluated: 2023-12-06. Review status: no assertion criteria provided. Collection method: clinical testing. Allele origin: germline.
Comment: The NUS1 c.380dupT variant is predicted to result in a frameshift and premature protein termination (p.Ile129Hisfs*5). To our knowledge, this variant has not been reported in the literature or in a large population database, indicating this variant is rare. Frameshift variants in NUS1 are expected to be pathogenic. This variant is interpreted as likely pathogenic.